The following is an entry in ClinVar:

NM_015559.3(SETBP1):c.623del (p.Pro208fs)

Gene: SETBP1 (SET binding protein 1; plus strand). Cytogenetic location: 18q12.3.
Variant type: Deletion.
Coding change: c.623del on transcript NM_015559.3 (MANE Select); coding-DNA position 623, one base deleted (C; older notation c.623delC).
Protein change: p.Pro208fs; shifts the reading frame from proline 208.
Molecular consequence: frameshift variant.
Genome position (GRCh38, 1-based): chr18:44,949,963, C deleted; the last of 2 consecutive C bases (chr18:44,949,962-44,949,963); deleting either gives the same sequence. VCF-style (leftmost placement, unchanged base first): chr18-44949961-AC-A. GRCh37 (hg19) VCF-style: chr18-42529926-AC-A.
Other names: c.623delC (NM_015559.3); c.623del, p.Pro208fs (NM_001379141.1, NM_001379142.1); c.623delC, p.Pro208Glnfs (NM_001410862.1); short protein forms P208fs.
Identifiers: ClinVar variation 1805460 (VCV001805460.1), dbSNP rs2511464232, ClinGen allele CA2573102960.

ClinVar aggregate classification (germline): Pathogenic (1 of 4 stars; one submission).

Conditions:
Intellectual developmental disorder, autosomal dominant 29. Also called: SETBP1 Haploinsufficiency Disorder; Intellectual disability, autosomal dominant 29. Identifiers: Orphanet 436151, MedGen C4015141, MONDO:0014482, OMIM 616078.

Submission:

Victorian Clinical Genetics Services, Murdoch Childrens Research Institute
Classification: Pathogenic for Intellectual developmental disorder, autosomal dominant 29. Last evaluated: 2022-03-31. Review status: criteria provided, single submitter. Criteria: ACMG Guidelines, 2015. Collection method: clinical testing. Allele origin: germline. Inheritance: Autosomal dominant inheritance.
Comment: Based on the classification scheme VCGS_Germline_v1.3.4, this variant is classified as Pathogenic. Following criteria are met: 0103 - Loss of function and gain of function are known mechanisms of disease in this gene and are associated with autosomal dominant intellectual disability 29 (MIM#616078) and Schinzel-Giedion midface retraction syndrome (MIM#269150), respectively. The former is caused by premature termination variants, whereas the latter is caused by missense variants resulting in increased SETBP1 protein stability. (PMIDs: 28346496, 32460883, 25217958). (I) 0107 - This gene is associated with autosomal dominant disease. (I) 0201 - Variant is predicted to cause nonsense-mediated decay (NMD) and loss of protein (premature termination codon is located at least 54 nucleotides upstream of the final exon-exon junction). (SP) 0251 - This variant is heterozygous. (I) 0301 - Variant is absent from gnomAD (both v2 and v3). (SP) 0701 - Other NMD-predicted variants comparable to the one identified in this case have very strong previous evidence for pathogenicity (ClinVar). (SP) 0807 - This variant has no previous evidence of pathogenicity. (I) 0905 - No published segregation evidence has been identified for this variant. (I) 1007 - No published functional evidence has been identified for this variant. (SP) Legend: (SP) - Supporting pathogenic, (I) - Information, (SB) - Supporting benign

Literature cited by the submitters: PubMed 25217958; PubMed 28346496; PubMed 32460883.